The following is an entry in ClinVar:

ClinVar aggregate classification (germline): Likely pathogenic. Review status: criteria provided, multiple submitters, no conflicts (2 of 4 stars). 2 submissions from 2 submitters: Likely pathogenic (2). Last evaluated 2024-06-07.

Conditions:
Mucopolysaccharidosis, MPS-II (MPS2). Also called: Mucopolysaccharidosis type 2; Hunter Syndrome; IDURONATE 2-SULFATASE DEFICIENCY; Mucopolysaccharidosis Type II; IDS deficiency; Sulfoiduronate sulfatase deficiency. Identifiers: Orphanet 580, Orphanet 79388, MedGen C0026705, MONDO:0010674, OMIM 309900.

Submissions (2):

Laboratory of Diagnosis and Therapy of Lysosomal Disorders, University of Padova
Classification: Likely pathogenic for Mucopolysaccharidosis, MPS-II. Last evaluated: 2024-06-07. Review status: criteria provided, single submitter. Criteria: ACMG Guidelines, 2015. Collection method: literature only. Allele origin: germline. Affected: yes. Observed: 6 variant alleles.
Comment: Prevalence of the variant significantly increased in affected individuals compared with controls (PS4_Supporting), Absent from controls (or at low frequency) in gnomAD database (PM2_Moderate), Missense change at the same amino acid residue as a pathogenic variant (PM5_Moderate), Missense variant in a gene with a low rate of benign missense variation (PP2_Supporting), Multiple lines of computational evidence support a deleterious effect (PP3_Supporting), Patient’s phenotype or family history highly specific for the disease (PP4_Moderate)

Classification method: ACMG Guidelines [PMID:25741868] with modifications

Department of Medical Genetics, Sanjay Gandhi Post Graduate Institute of Medical Sciences
Classification: Likely pathogenic for Mucopolysaccharidosis, MPS-II. Review status: criteria provided, single submitter. Criteria: ACMG Guidelines, 2015. Collection method: clinical testing. Allele origin: germline. Inheritance: X-linked recessive inheritance. Affected: yes. Observed: 1 variant allele, 1 hemizygote.

Literature cited by the submitters: PubMed 35144014 (cited by Laboratory of Diagnosis and Therapy of Lysosomal Disorders, University of Padova); PubMed 26897145 (cited by Laboratory of Diagnosis and Therapy of Lysosomal Disorders, University of Padova); PubMed 21291454 (cited by Laboratory of Diagnosis and Therapy of Lysosomal Disorders, University of Padova); PubMed 9875019 (cited by Laboratory of Diagnosis and Therapy of Lysosomal Disorders, University of Padova); PubMed 36945845 (cited by Laboratory of Diagnosis and Therapy of Lysosomal Disorders, University of Padova).

NM_000202.8(IDS):c.1454T>A (p.Ile485Lys)

Gene: IDS (iduronate 2-sulfatase; minus strand). Cytogenetic location: Xq28.
Variant type: single nucleotide variant.
Coding change: c.1454T>A on transcript NM_000202.8 (MANE Select); coding-DNA position 1454, T replaced by A.
Protein change: p.Ile485Lys; replaces isoleucine 485 with lysine.
Molecular consequence: missense variant.
Genome position (GRCh38, 1-based): chrX:149,482,945, A>T on the plus strand (T>A on the coding strand, the complement: IDS is on the minus strand). VCF-style: chrX-149482945-A-T. GRCh37 (hg19) VCF-style: chrX-148564476-A-T.
Other names: c.1184T>A, p.Ile395Lys (NM_001166550.4); short protein forms I395K, I485K.
Identifiers: ClinVar variation 997093 (VCV000997093.3), dbSNP rs782430567, ClinGen allele CA414518055.